The following is an entry in ClinVar:

NM_006343.3(MERTK):c.2060G>A (p.Arg687Gln)

Gene: MERTK (MER proto-oncogene, tyrosine kinase; plus strand). Cytogenetic location: 2q13.
Variant type: single nucleotide variant.
Coding change: c.2060G>A on transcript NM_006343.3 (MANE Select); coding-DNA position 2060, G replaced by A.
Protein change: p.Arg687Gln; replaces arginine 687 with glutamine.
Molecular consequence: missense variant.
Genome position (GRCh38, 1-based): chr2:112,010,047, G>A. VCF-style: chr2-112010047-G-A. GRCh37 (hg19) VCF-style: chr2-112767624-G-A.
Other names: c.2060G>A (NM_006343.2); short protein forms R687Q.
Identifiers: ClinVar variation 1441670 (VCV001441670.11), dbSNP rs775443181, ClinGen allele CA1831653.

ClinVar aggregate classification (germline): Uncertain significance. Review status: criteria provided, multiple submitters, no conflicts (2 of 4 stars). 4 submissions from 4 submitters: Uncertain significance (4). Last evaluated 2024-11-03.

Conditions:
Retinal dystrophy. Also called: Inherited retinal dystrophy. Identifiers: Orphanet 71862, MedGen C0854723, MeSH D058499, MONDO:0019118, HP:0000556.
Inborn genetic diseases. Identifiers: MedGen C0950123, MeSH D030342.

Allele frequency attached by ClinVar (database versions not stated): gnomAD exomes 0.00003; ExAC 0.00004; gnomAD 0.00004; TOPMed 0.00005.
gnomAD v4.1: 55 of 1,611,010 alleles (0.0034%); highest among the groups gnomAD compares: East Asian, 0.02%; no homozygotes.

Submissions (4):

Labcorp Genetics (formerly Invitae), Labcorp
Classification: Uncertain significance. Last evaluated: 2024-11-03. Review status: criteria provided, single submitter. Criteria: Invitae Variant Classification Sherloc (09022015). Collection method: clinical testing. Allele origin: germline.
Comment: This sequence change replaces arginine, which is basic and polar, with glutamine, which is neutral and polar, at codon 687 of the MERTK protein (p.Arg687Gln). This variant is present in population databases (rs775443181, gnomAD 0.008%). This variant has not been reported in the literature in individuals affected with MERTK-related conditions. ClinVar contains an entry for this variant (Variation ID: 1441670). Invitae Evidence Modeling of protein sequence and biophysical properties (such as structural, functional, and spatial information, amino acid conservation, physicochemical variation, residue mobility, and thermodynamic stability) indicates that this missense variant is expected to disrupt MERTK protein function with a positive predictive value of 80%. Algorithms developed to predict the effect of sequence changes on RNA splicing suggest that this variant may disrupt the consensus splice site. In summary, the available evidence is currently insufficient to determine the role of this variant in disease. Therefore, it has been classified as a Variant of Uncertain Significance.

Blueprint Genetics
Classification: Uncertain significance. Last evaluated: 2024-07-06. Review status: criteria provided, single submitter. Criteria: ACMG Guidelines, 2015. Collection method: clinical testing. Allele origin: germline.

Dept Of Ophthalmology, Nagoya University
Classification: Uncertain significance for Retinal dystrophy. Last evaluated: 2023-10-01. Review status: criteria provided, single submitter. Criteria: Submitter's publication. Collection method: research. Allele origin: germline. Affected: yes.

Ambry Genetics
Classification: Uncertain significance for Inborn genetic diseases. Last evaluated: 2021-09-01. Review status: criteria provided, single submitter. Criteria: Ambry Variant Classification Scheme 2023. Collection method: clinical testing. Allele origin: germline.